The following is an entry in ClinVar:

NM_138694.4(PKHD1):c.8525_8532del (p.Asn2842fs)

Gene: PKHD1 (PKHD1 ciliary IPT domain containing fibrocystin/polyductin; minus strand). Cytogenetic location: 6p12.3.
Variant type: Deletion.
Coding change: c.8525_8532del on transcript NM_138694.4 (MANE Select); coding-DNA positions 8525 to 8532, 8 bases deleted (ATGGAATT; older notation c.8525_8532delATGGAATT).
Protein change: p.Asn2842fs; shifts the reading frame from asparagine 2842.
Molecular consequence: frameshift variant.
Genome position (GRCh38, 1-based): chr6:51,775,830-51,775,837, AATTCCAT deleted on the plus strand (ATGGAATT on the coding strand, the reverse complement: PKHD1 is on the minus strand). VCF-style (leftmost placement, unchanged base first): chr6-51775829-GAATTCCAT-G. GRCh37 (hg19) VCF-style: chr6-51640627-GAATTCCAT-G.
Other names: c.8525_8532del, p.Asn2842fs (NM_170724.3); short protein forms N2842fs.
Identifiers: ClinVar variation 4059924 (VCV004059924.2).

ClinVar aggregate classification (germline): Likely pathogenic (1 of 4 stars; one submission).

Conditions:
Autosomal recessive polycystic kidney disease (ARPKD). Also called: AR polycystic kidney disease. Identifiers: Orphanet 731, Orphanet 8378, MedGen C0085548, MeSH D017044, MONDO:0009889.

Submission:

Natera, Inc.
Classification: Likely pathogenic for Autosomal recessive polycystic kidney disease. Last evaluated: 2025-04-24. Review status: criteria provided, single submitter. Criteria: Natera Variant Classification Schema (03/2026). Collection method: clinical testing. Allele origin: germline.
Comment: The c.8525_8532del variant in PKHD1 is a frameshift variant predicted to shift the reading frame beginning at codon 2842 and leads to a stop codon 3 codons downstream. This variant is expected to result in nonsense mediated decay, truncation, or a dysfunctional protein product. This variant is rare in the general population with a frequency below the threshold expected for the associated phenotype(s). Given the available evidence, this variant is classified as Likely Pathogenic.